The following is an entry in ClinVar:

NM_001267550.2(TTN):c.56741del (p.Ser18914fs)

Genes: TTN (titin; minus strand), TTN-AS1 (TTN antisense RNA 1; plus strand). Cytogenetic location: 2q31.2.
Variant type: Deletion.
Coding change: c.56741del on transcript NM_001267550.2 (MANE Select); coding-DNA position 56741, one base deleted (C; older notation c.56741delC).
Protein change: p.Ser18914fs; shifts the reading frame from serine 18914.
Molecular consequence: frameshift variant.
Genome position (GRCh38, 1-based): chr2:178,598,969, G deleted on the plus strand (C on the coding strand, the reverse complement: TTN is on the minus strand). VCF-style (leftmost placement, unchanged base first): chr2-178598968-AG-A. GRCh37 (hg19) VCF-style: chr2-179463695-AG-A.
Other names: c.56741delC (NM_001267550.2); c.51818del, p.Ser17273fs (NM_001256850.1); c.29546del, p.Ser9849fs (NM_003319.4); c.49037del, p.Ser16346fs (NM_133378.4); c.29921del, p.Ser9974fs (NM_133432.3); c.30122del, p.Ser10041fs (NM_133437.4); short protein forms S10041fs, S16346fs, S17273fs, S18914fs, S9849fs, S9974fs.
Identifiers: ClinVar variation 535043 (VCV000535043.14), dbSNP rs1553663867, ClinGen allele CA658796055.

ClinVar aggregate classification (germline): Pathogenic/Likely pathogenic. Review status: criteria provided, multiple submitters, no conflicts (2 of 4 stars). 3 submissions from 3 submitters: Pathogenic (1); Likely pathogenic (2). Last evaluated 2024-11-01.

Conditions:
TTN-related disorder. Also called: TTN-related condition; TTN-related disease; TTN-related disorders.
Cardiomyopathy (CMYO). Also called: Cardiomyopathies. Identifiers: Orphanet 167848, MedGen C0878544, MONDO:0004994, HP:0001638. Inheritance: Various modes of inheritance.
Dilated cardiomyopathy 1G (CMD1G). Identifiers: Orphanet 154, MedGen C1858763, MONDO:0011400, OMIM 604145.
Autosomal recessive limb-girdle muscular dystrophy type 2J (LGMDR10). Also called: Limb-girdle muscular dystrophy, type 2J; MUSCULAR DYSTROPHY, LIMB-GIRDLE, AUTOSOMAL RECESSIVE 10. Identifiers: Orphanet 140922, MedGen C1837342, MONDO:0012127, OMIM 608807.

Allele frequency attached by ClinVar (database versions not stated): gnomAD exomes below 0.00001.

Submissions (3):

Blueprint Genetics
Classification: Pathogenic for TTN-related disorders. Last evaluated: 2024-11-01. Review status: criteria provided, single submitter. Criteria: ACMG Guidelines, 2015. Collection method: clinical testing. Allele origin: germline. Affected: yes. Observed: 3 variant alleles.

Labcorp Genetics (formerly Invitae), Labcorp
Classification: Likely pathogenic for Dilated cardiomyopathy 1G; Autosomal recessive limb-girdle muscular dystrophy type 2J. Last evaluated: 2022-04-29. Review status: criteria provided, single submitter. Criteria: Invitae Variant Classification Sherloc (09022015). Collection method: clinical testing. Allele origin: germline.
Comment: This sequence change creates a premature translational stop signal (p.Ser18914Phefs*3) in the TTN gene. While this is not anticipated to result in nonsense mediated decay, it is expected to create a truncated TTN protein. This variant is not present in population databases (gnomAD no frequency). This variant has not been reported in the literature in individuals affected with TTN-related conditions. In summary, the currently available evidence indicates that the variant is pathogenic, but additional data are needed to prove that conclusively. Therefore, this variant has been classified as Likely Pathogenic. This variant is located in the A band of TTN (PMID: 25589632). Truncating variants in this region are significantly overrepresented in patients affected with dilated cardiomyopathy (PMID: 25589632). Truncating variants in this region have also been reported in individuals affected with autosomal recessive centronuclear myopathy (PMID: 23975875). ClinVar contains an entry for this variant (Variation ID: 535043).

CHEO Genetics Diagnostic Laboratory, Children's Hospital of Eastern Ontario
Classification: Likely pathogenic for Cardiomyopathy. Last evaluated: 2015-09-03. Review status: criteria provided, single submitter. Criteria: ACMG Guidelines, 2015. Collection method: clinical testing. Allele origin: germline. Study: Canadian Open Genetics Repository.

Literature cited by the submitters: PubMed 25589632 (cited by Labcorp Genetics (formerly Invitae), Labcorp); PubMed 23975875 (cited by Labcorp Genetics (formerly Invitae), Labcorp).